The following is an entry in ClinVar:

ClinVar aggregate classification (germline): Uncertain significance. Review status: criteria provided, multiple submitters, no conflicts (2 of 4 stars). 2 submissions from 2 submitters: Uncertain significance (2). Last evaluated 2025-07-03.

Conditions:
Hereditary cancer-predisposing syndrome. Also called: Neoplastic Syndromes, Hereditary; Hereditary Cancer Syndrome; Hereditary neoplastic syndrome; Tumor predisposition. Identifiers: Orphanet 140162, MedGen C0027672, MeSH D009386, MONDO:0015356.

Allele frequency attached by ClinVar (database versions not stated): ExAC 0.00001; gnomAD 0.00001; TOPMed 0.00001; ESP Exome Variant Server 0.00008.
gnomAD v4.1: 1 of 1,614,062 alleles (0.000062%); no homozygotes.

Submissions (2):

Labcorp Genetics (formerly Invitae), Labcorp
Classification: Uncertain significance. Last evaluated: 2025-07-03. Review status: criteria provided, single submitter. Criteria: Invitae Variant Classification Sherloc (09022015). Collection method: clinical testing. Allele origin: germline.
Comment: This sequence change replaces leucine, which is neutral and non-polar, with phenylalanine, which is neutral and non-polar, at codon 141 of the CTNNA1 protein (p.Leu141Phe). This variant is present in population databases (rs377601723, gnomAD 0.007%). This variant has not been reported in the literature in individuals affected with CTNNA1-related conditions. ClinVar contains an entry for this variant (Variation ID: 1060996). Invitae Evidence Modeling of protein sequence and biophysical properties (such as structural, functional, and spatial information, amino acid conservation, physicochemical variation, residue mobility, and thermodynamic stability) indicates that this missense variant is expected to disrupt CTNNA1 protein function with a positive predictive value of 80%. In summary, the available evidence is currently insufficient to determine the role of this variant in disease. Therefore, it has been classified as a Variant of Uncertain Significance.

Ambry Genetics
Classification: Uncertain significance for Hereditary cancer-predisposing syndrome. Last evaluated: 2025-06-08. Review status: criteria provided, single submitter. Criteria: Ambry Variant Classification Scheme 2023. Collection method: clinical testing. Allele origin: germline.
Comment: The p.L141F variant (also known as c.423G>T), located in coding exon 3 of the CTNNA1 gene, results from a G to T substitution at nucleotide position 423. The leucine at codon 141 is replaced by phenylalanine, an amino acid with highly similar properties. This amino acid position is highly conserved in available vertebrate species. In addition, this alteration is predicted to be deleterious by in silico analysis. Based on the available evidence, the clinical significance of this variant remains unclear.

NM_001903.5(CTNNA1):c.423G>T (p.Leu141Phe)

Gene: CTNNA1 (catenin alpha 1; plus strand). Cytogenetic location: 5q31.2.
Variant type: single nucleotide variant.
Coding change: c.423G>T on transcript NM_001903.5 (MANE Select); coding-DNA position 423, G replaced by T.
Protein change: p.Leu141Phe; replaces leucine 141 with phenylalanine.
Molecular consequence: missense variant.
Genome position (GRCh38, 1-based): chr5:138,810,159, G>T. VCF-style: chr5-138810159-G-T. GRCh37 (hg19) VCF-style: chr5-138145848-G-T.
Other names: c.423G>T, p.Leu141Phe (NM_001290307.3, NM_001323982.2, NM_001323983.1 and 3 more transcripts); c.114G>T, p.Leu38Phe (NM_001290309.3); c.54G>T, p.Leu18Phe (NM_001290310.3); c.423G>T (NM_001903.2); short protein forms L141F, L18F, L38F.
Identifiers: ClinVar variation 1060996 (VCV001060996.9), dbSNP rs377601723, ClinGen allele CA3431439.
Genomic context (GRCh38, chr5:138,810,159, plus strand): 5'-AGGCAACATGGTTCGGGCAGCTCGAGCTTTGCTCTCTGCTGTTACCCGGTTGCTGATTTT[G>T]GCTGACATGGCAGATGTCTACAAATTACTTGTTCAGCTGAAAGTTGTAAGTATACAGGCC-3'
Protein context (NP_001894.2, residues 131-151): LLSAVTRLLI[Leu141Phe]ADMADVYKLL